The following is an entry in ClinVar:

ClinVar aggregate classification (germline): Likely pathogenic. Review status: criteria provided, single submitter (1 of 4 stars). 2 submissions from 2 submitters: Likely pathogenic (1). 1 of the submissions does not count toward it. Last evaluated 2025-09-04.

Conditions:
Cataract 5 multiple types (CTRCT5). Also called: CATARACT 5, LAMELLAR; Lamellar cataract; CATARACT, MARNER TYPE. Identifiers: Orphanet 91492, MedGen C0266537, MONDO:0007290, OMIM 116800, HP:0007971.

Submissions (2):

Dasa
Classification: Likely pathogenic. Last evaluated: 2025-09-04. Review status: criteria provided, single submitter. Criteria: DASA Assertion Criteria. Collection method: clinical testing. Allele origin: germline.
Comment: NM_001374675.1(HSF4):c.341T>C (p.Leu114Pro) is a missense variant that results in the substitution of leucine with proline. This variant has been recurrently observed in individuals with HSF4-related disorders (PMID: 24975927; PMID: 34345029; PMID: 30143024). Segregation data support an association with disease in the reported family/families (PMID: 24975927; PMID: 34345029; PMID: 30143024). Also, this variant is absent from population databases. Computational evidence supports a deleterious effect. Based on the currently available evidence, this variant is classified as likely pathogenic.

OMIM
Classification: Pathogenic for CATARACT 5, LAMELLAR. Last evaluated: 2002-07-01. Review status: no assertion criteria provided. Collection method: literature only. Allele origin: germline. Not counted in ClinVar's aggregate classification.

Literature cited by the submitters: PubMed 24975927 (cited by Dasa); PubMed 34345029 (cited by Dasa); PubMed 30143024 (cited by Dasa); PubMed 12089525 (cited by OMIM).

NM_001374675.1(HSF4):c.341T>C (p.Leu114Pro)

Gene: HSF4 (heat shock transcription factor 4; plus strand). Cytogenetic location: 16q22.1.
Variant type: single nucleotide variant.
Coding change: c.341T>C on transcript NM_001374675.1 (MANE Select); coding-DNA position 341, T replaced by C.
Protein change: p.Leu114Pro; replaces leucine 114 with proline.
Molecular consequence: missense variant.
Genome position (GRCh38, 1-based): chr16:67,165,827, T>C. VCF-style: chr16-67165827-T-C. GRCh37 (hg19) VCF-style: chr16-67199730-T-C.
Other names: L115P; c.341T>C, p.Leu114Pro (NM_001040667.3, NM_001374674.1, NM_001538.4); short protein forms L114P.
Identifiers: ClinVar variation 7092 (VCV000007092.3), dbSNP rs121909048, ClinGen allele CA118624.